The following is an entry in ClinVar:

ClinVar aggregate classification (germline): Uncertain significance (1 of 4 stars; one submission).

Submission:

Ambry Genetics
Classification: Uncertain significance. Last evaluated: 2024-12-12. Review status: criteria provided, single submitter. Criteria: Ambry Variant Classification Scheme 2023. Collection method: clinical testing. Allele origin: germline.
Comment: The p.Q243K variant (also known as c.727C>A), located in coding exon 1 of the TET2 gene, results from a C to A substitution at nucleotide position 727. The glutamine at codon 243 is replaced by lysine, an amino acid with similar properties. This amino acid position is conserved. In addition, this alteration is predicted to be tolerated by in silico analysis. Based on the available evidence, the clinical significance of this variant remains unclear.

NM_001127208.3(TET2):c.727C>A (p.Gln243Lys)

Genes: TET2 (tet methylcytosine dioxygenase 2; plus strand), TET2-AS1 (TET2 antisense RNA 1; minus strand). Cytogenetic location: 4q24.
Variant type: single nucleotide variant.
Coding change: c.727C>A on transcript NM_001127208.3 (MANE Select); coding-DNA position 727, C replaced by A.
Protein change: p.Gln243Lys; replaces glutamine 243 with lysine.
Molecular consequence: missense variant.
Genome position (GRCh38, 1-based): chr4:105,234,669, C>A. VCF-style: chr4-105234669-C-A. GRCh37 (hg19) VCF-style: chr4-106155826-C-A.
Other names: c.727C>A, p.Gln243Lys (NM_017628.4); short protein forms Q243K.
Identifiers: ClinVar variation 3805846 (VCV003805846.1).